The following is an entry in ClinVar:

ClinVar aggregate classification (germline): Uncertain significance. Review status: criteria provided, multiple submitters, no conflicts (2 of 4 stars). 2 submissions from 2 submitters: Uncertain significance (2). Last evaluated 2024-05-14.

Conditions:
Cardiovascular phenotype. Identifiers: MedGen CN230736.
Hypertrophic cardiomyopathy. Also called: HYPERTROPHIC MYOCARDIOPATHY. Identifiers: Orphanet 217569, MedGen C0007194, MeSH D002312, MONDO:0005045, HP:0001639.

Submissions (2):

All of Us Research Program, National Institutes of Health
Classification: Uncertain significance for Hypertrophic cardiomyopathy. Last evaluated: 2024-05-14. Review status: criteria provided, single submitter. Criteria: ACMG Guidelines, 2015. Collection method: clinical testing. Allele origin: germline. Inheritance: Autosomal dominant inheritance. Observed: 1 variant allele, 1 heterozygote.
Comment: This variant causes a substitution of A to G nucleotide in intron 3 of the PRKAG2 gene. To our knowledge, functional studies have not been reported for this variant. This variant has not been reported in individuals affected with PRKAG2-related disorders in the literature. This variant has not been identified in the general population by the Genome Aggregation Database (gnomAD). The available evidence is insufficient to determine the role of this variant in disease conclusively. Therefore, this variant is classified as a Variant of Uncertain Significance.

This study involves interpretation of variants in research participants for the purpose of population health screening. Participant phenotype was not available at the time of variant classification. Additional details can be found in publication PMID: 35346344, PMCID: PMC8962531

Ambry Genetics
Classification: Uncertain significance for Cardiovascular phenotype. Last evaluated: 2022-07-13. Review status: criteria provided, single submitter. Criteria: Ambry Variant Classification Scheme 2023. Collection method: clinical testing. Allele origin: germline.
Comment: The c.467-2A>G intronic variant results from an A to G substitution two nucleotides upstream from coding exon 4 in the PRKAG2 gene. This nucleotide position is well conserved in available vertebrate species. In silico splice site analysis predicts that this alteration will weaken the native splice acceptor site. Alterations that disrupt the canonical splice site are expected to cause aberrant splicing, resulting in an abnormal protein or a transcript that is subject to nonsense-mediated mRNA decay. However, loss of function of PRKAG2 has not been clearly established as a mechanism of disease. Since supporting evidence is limited at this time, the clinical significance of this alteration remains unclear.

NM_016203.4(PRKAG2):c.467-2A>G

Gene: PRKAG2 (protein kinase AMP-activated non-catalytic subunit gamma 2; minus strand). Cytogenetic location: 7q36.1.
Variant type: single nucleotide variant.
Coding change: c.467-2A>G on transcript NM_016203.4 (MANE Select); the canonical splice acceptor site of the intron before coding-DNA position 467, A replaced by G.
Molecular consequence: splice acceptor variant. On other transcripts: intron variant (5).
Genome position (GRCh38, 1-based): chr7:151,675,639, T>C on the plus strand (A>G on the coding strand, the complement: PRKAG2 is on the minus strand). VCF-style: chr7-151675639-T-C. GRCh37 (hg19) VCF-style: chr7-151372725-T-C.
Other names: c.467-2A>G (NM_001407022.1, NM_001407021.1, NM_001407023.1); c.149-2A>G (NM_001407032.1); c.335-2A>G (NM_001407026.1, NM_001040633.2, NM_001407027.1 and 1 more transcripts); c.361-43501A>G (NM_001407033.1); c.94+60261A>G (NM_001407037.1); c.13-43501A>G (NM_001407038.1); c.95-2A>G (NM_001304527.2, NM_001407029.1, NM_001363698.2 and 1 more transcripts); c.467-80188A>G (NM_001407031.1); and 1 more.
Identifiers: ClinVar variation 1742331 (VCV001742331.3), dbSNP rs1554531076, ClinGen allele CA370188831.